The following is an entry in ClinVar:

NM_000135.4(FANCA):c.216_217del (p.Leu72fs)

Gene: FANCA (FA complementation group A; minus strand). Cytogenetic location: 16q24.3.
Variant type: Deletion.
Coding change: c.216_217del on transcript NM_000135.4 (MANE Select); coding-DNA positions 216 to 217, 2 bases deleted (GT; older notation c.216_217delGT).
Protein change: p.Leu72fs; shifts the reading frame from leucine 72.
Molecular consequence: frameshift variant.
Genome position (GRCh38, 1-based): chr16:89,814,586-89,814,587, AC deleted on the plus strand (GT on the coding strand, the reverse complement: FANCA is on the minus strand); deleting any 2 consecutive bases within chr16:89,814,586-89,814,588 gives the same sequence; the c. name uses the placement nearest the transcript's 3' end. VCF-style (leftmost placement, unchanged base first): chr16-89814585-GAC-G. GRCh37 (hg19) VCF-style: chr16-89880993-GAC-G.
Other names: c.216_217del, p.Leu72fs (NM_001018112.3, NM_001286167.3, NM_001351830.2); short protein forms L72fs.
Identifiers: ClinVar variation 4817518 (VCV004817518.1).
Genomic context (GRCh38, chr16:89,814,585, plus strand): 5'-AATGAACTAGAATGATTAGCATAGGCCTCAGAACTGTCACAGTCAATCACTTTGCTGAGA[GAC>G]AATTTTTTACACAGTGGACCTTCTACCTAGAATCCAAAACACAACAAACTCCATTTAAAA-3'

ClinVar aggregate classification (germline): Likely pathogenic (1 of 4 stars; one submission).

Conditions:
Fanconi anemia (FA). Also called: Fanconi's anemia. Identifiers: Orphanet 84, MedGen C0015625, MeSH D005199, MONDO:0019391.

Submission:

Natera, Inc.
Classification: Likely pathogenic for Fanconi anemia. Last evaluated: 2024-05-01. Review status: criteria provided, single submitter. Criteria: Natera Variant Classification Schema (03/2026). Collection method: clinical testing. Allele origin: germline.
Comment: The c.216_217delGT variant in FANCA is a frameshift variant predicted to shift the reading frame beginning at codon 72 and leads to a stop codon 7 codons downstream. This variant is expected to result in nonsense mediated decay, truncation, or a dysfunctional protein product. This variant is rare in the general population with a frequency below the threshold expected for the associated phenotype(s). Given the available evidence, this variant is classified as Likely Pathogenic.